The following is an entry in ClinVar:

NM_021975.4(RELA):c.191A>G (p.Asn64Ser)

Gene: RELA (RELA proto-oncogene, NF-kB subunit; minus strand). Cytogenetic location: 11q13.1.
Variant type: single nucleotide variant.
Coding change: c.191A>G on transcript NM_021975.4 (MANE Select); coding-DNA position 191, A replaced by G.
Protein change: p.Asn64Ser; replaces asparagine 64 with serine.
Molecular consequence: missense variant. On other transcripts: 5 prime UTR variant (1).
Genome position (GRCh38, 1-based): chr11:65,661,831, T>C on the plus strand (A>G on the coding strand, the complement: RELA is on the minus strand). VCF-style: chr11-65661831-T-C. GRCh37 (hg19) VCF-style: chr11-65429302-T-C.
Other names: c.191A>G, p.Asn64Ser (NM_001145138.2, NM_001243984.2, NM_001243985.2 and 2 more transcripts); c.224A>G, p.Asn75Ser (NM_001404657.1); c.164A>G, p.Asn55Ser (NM_001404658.1); c.-99A>G (NM_001404661.1); c.98A>G, p.Asn33Ser (NM_001404662.1, NM_001404663.1); short protein forms N55S, N64S, N75S, N33S.
Identifiers: ClinVar variation 4700550 (VCV004700550.1).

ClinVar aggregate classification (germline): Uncertain significance (1 of 4 stars; one submission).

gnomAD v4.1: 7 of 1,610,770 alleles (0.00043%); highest among the groups gnomAD compares: Non-Finnish European, 0.00051%; no homozygotes.

Submission:

Labcorp Genetics (formerly Invitae), Labcorp
Classification: Uncertain significance. Last evaluated: 2025-11-18. Review status: criteria provided, single submitter. Criteria: Invitae Variant Classification Sherloc (09022015). Collection method: clinical testing. Allele origin: germline.
Comment: This sequence change replaces asparagine, which is neutral and polar, with serine, which is neutral and polar, at codon 64 of the RELA protein (p.Asn64Ser). This variant is not present in population databases (gnomAD no frequency). This variant has not been reported in the literature in individuals affected with RELA-related conditions. An algorithm developed to predict the effect of missense changes on protein structure and function (PolyPhen-2) suggests that this variant is likely to be tolerated. In summary, the available evidence is currently insufficient to determine the role of this variant in disease. Therefore, it has been classified as a Variant of Uncertain Significance.